The following is an entry in ClinVar:

NM_014334.4(FRRS1L):c.351G>C (p.Glu117Asp)

Gene: FRRS1L (ferric chelate reductase 1 like; minus strand). Cytogenetic location: 9q31.3.
Variant type: single nucleotide variant.
Coding change: c.351G>C on transcript NM_014334.4 (MANE Select); coding-DNA position 351, G replaced by C.
Protein change: p.Glu117Asp; replaces glutamic acid 117 with aspartic acid.
Molecular consequence: missense variant.
Genome position (GRCh38, 1-based): chr9:109,147,162, C>G on the plus strand (G>C on the coding strand, the complement: FRRS1L is on the minus strand). VCF-style: chr9-109147162-C-G. GRCh37 (hg19) VCF-style: chr9-111909442-C-G.
Other names: c.504G>C (NM_014334.2); short protein forms E117D.
Identifiers: ClinVar variation 1063514 (VCV001063514.10), dbSNP rs145156906, ClinGen allele CA5177434.

ClinVar aggregate classification (germline): Uncertain significance. Review status: criteria provided, multiple submitters, no conflicts (2 of 4 stars). 2 submissions from 2 submitters: Uncertain significance (2). Last evaluated 2024-11-27.

Conditions:
Developmental and epileptic encephalopathy, 37 (DEE37). Also called: Epileptic encephalopathy, early infantile, 37. Identifiers: MedGen C4310770, MONDO:0014859, OMIM 616981.
Inborn genetic diseases. Identifiers: MedGen C0950123, MeSH D030342.

Allele frequency attached by ClinVar (database versions not stated): TOPMed below 0.00001; gnomAD 0.00001; ESP Exome Variant Server 0.00008.
gnomAD v4.1: 7 of 1,613,584 alleles (0.00043%); highest among the groups gnomAD compares: African/African-American, 0.0013%; no homozygotes.

Submissions (2):

Ambry Genetics
Classification: Uncertain significance for Inborn genetic diseases. Last evaluated: 2024-11-27. Review status: criteria provided, single submitter. Criteria: Ambry Variant Classification Scheme 2023. Collection method: clinical testing. Allele origin: germline.

Labcorp Genetics (formerly Invitae), Labcorp
Classification: Uncertain significance for Developmental and epileptic encephalopathy, 37. Last evaluated: 2020-04-01. Review status: criteria provided, single submitter. Criteria: Invitae Variant Classification Sherloc (09022015). Collection method: clinical testing. Allele origin: germline.
Comment: This sequence change replaces glutamic acid with aspartic acid at codon 168 of the FRRS1L protein (p.Glu168Asp). The glutamic acid residue is highly conserved and there is a small physicochemical difference between glutamic acid and aspartic acid. This variant is present in population databases (rs145156906, ExAC 0.01%). This variant has not been reported in the literature in individuals with FRRS1L-related conditions. In summary, the available evidence is currently insufficient to determine the role of this variant in disease. Therefore, it has been classified as a Variant of Uncertain Significance. Algorithms developed to predict the effect of missense changes on protein structure and function (SIFT, PolyPhen-2, Align-GVGD) all suggest that this variant is likely to be tolerated, but these predictions have not been confirmed by published functional studies and their clinical significance is uncertain.